The following is an entry in ClinVar:

ClinVar aggregate classification (germline): Uncertain significance. Review status: criteria provided, multiple submitters, no conflicts (2 of 4 stars). 2 submissions from 2 submitters: Uncertain significance (2). Last evaluated 2021-08-15.

Conditions:
Hereditary cancer-predisposing syndrome. Also called: Neoplastic Syndromes, Hereditary; Hereditary Cancer Syndrome; Hereditary neoplastic syndrome; Tumor predisposition. Identifiers: Orphanet 140162, MedGen C0027672, MeSH D009386, MONDO:0015356.

Submissions (2):

Ambry Genetics
Classification: Uncertain significance for Hereditary cancer-predisposing syndrome. Last evaluated: 2021-08-15. Review status: criteria provided, single submitter. Criteria: Ambry Variant Classification Scheme 2023. Collection method: clinical testing. Allele origin: germline.
Comment: The p.P1432A variant (also known as c.4294C>G), located in coding exon 34 of the POLE gene, results from a C to G substitution at nucleotide position 4294. The proline at codon 1432 is replaced by alanine, an amino acid with highly similar properties. This amino acid position is conserved. In addition, the in silico prediction for this alteration is inconclusive. Since supporting evidence is limited at this time, the clinical significance of this alteration remains unclear.

Labcorp Genetics (formerly Invitae), Labcorp
Classification: Uncertain significance. Last evaluated: 2021-02-02. Review status: criteria provided, single submitter. Criteria: Invitae Variant Classification Sherloc (09022015). Collection method: clinical testing. Allele origin: germline.
Comment: In summary, the available evidence is currently insufficient to determine the role of this variant in disease. Therefore, it has been classified as a Variant of Uncertain Significance. Algorithms developed to predict the effect of missense changes on protein structure and function are either unavailable or do not agree on the potential impact of this missense change (SIFT: "Tolerated"; PolyPhen-2: "Probably Damaging"; Align-GVGD: "Class C0"). This variant has not been reported in the literature in individuals with POLE-related conditions. This variant is not present in population databases (ExAC no frequency). This sequence change replaces proline with alanine at codon 1432 of the POLE protein (p.Pro1432Ala). The proline residue is highly conserved and there is a small physicochemical difference between proline and alanine.

NM_006231.4(POLE):c.4294C>G (p.Pro1432Ala)

Gene: POLE (DNA polymerase epsilon, catalytic subunit; minus strand). Cytogenetic location: 12q24.33.
Variant type: single nucleotide variant.
Coding change: c.4294C>G on transcript NM_006231.4 (MANE Select); coding-DNA position 4294, C replaced by G.
Protein change: p.Pro1432Ala; replaces proline 1432 with alanine.
Molecular consequence: missense variant.
Genome position (GRCh38, 1-based): chr12:132,643,557, G>C on the plus strand (C>G on the coding strand, the complement: POLE is on the minus strand). VCF-style: chr12-132643557-G-C. GRCh37 (hg19) VCF-style: chr12-133220143-G-C.
Other names: short protein forms P1432A.
Identifiers: ClinVar variation 933921 (VCV000933921.12), dbSNP rs2042205627, ClinGen allele CA387381614.